The following is an entry in ClinVar:

NM_001040108.2(MLH3):c.4242+3A>C

Gene: MLH3 (mutL homolog 3; minus strand). Cytogenetic location: 14q24.3.
Variant type: single nucleotide variant.
Coding change: c.4242+3A>C on transcript NM_001040108.2 (MANE Select); 3 bases into the intron after coding-DNA position 4242, A replaced by C.
Molecular consequence: intron variant.
Genome position (GRCh38, 1-based): chr14:75,018,826, T>G on the plus strand (A>C on the coding strand, the complement: MLH3 is on the minus strand). VCF-style: chr14-75018826-T-G. GRCh37 (hg19) VCF-style: chr14-75485529-T-G.
Other names: c.4170+3A>C (NM_014381.3).
Identifiers: ClinVar variation 2448627 (VCV002448627.2), dbSNP rs2503043356, ClinGen allele CA2580088817.
Genomic context (GRCh38, chr14:75,018,826, plus strand): 5'-AAGCCAGAAAAGAAAGAGAAAATAAACTTTGCTCCCTCCTGCTCCTGTTAGTCATTAATG[T>G]ACCTGTTTTTCCTGTTCCAAGTGGTCTATGTCAGCTAACGGCAGCATAGAAGGTCTCCCG-3'

ClinVar aggregate classification (germline): Uncertain significance (1 of 4 stars; one submission).

Submission:

Ambry Genetics
Classification: Uncertain significance. Last evaluated: 2023-01-10. Review status: criteria provided, single submitter. Criteria: Ambry Variant Classification Scheme 2023. Collection method: clinical testing. Allele origin: germline.
Comment: The c.4242+3A>C intronic variant results from an A to C substitution 3 nucleotides after coding exon 11 in the MLH3 gene. This nucleotide position is not well conserved in available vertebrate species. In silico splice site analysis predicts that this alteration will weaken the native splice donor site. The evidence for this gene-disease relationship is limited; therefore, the clinical significance of this alteration is unclear.